The following is an entry in ClinVar:

ClinVar aggregate classification (germline): Uncertain significance (1 of 4 stars; one submission).

Conditions:
Short-rib thoracic dysplasia 6 with or without polydactyly (SRTD6). Also called: POLYDACTYLY WITH NEONATAL CHONDRODYSTROPHY, TYPE II; Majewski Syndrome; SHORT-RIB THORACIC DYSPLASIA 6 WITH POLYDACTYLY; SHORT-RIB THORACIC DYSPLASIA 6 WITHOUT POLYDACTYLY; SHORT RIB-POLYDACTYLY SYNDROME, TYPE IIA. Identifiers: MedGen C0024507, MONDO:0009894, OMIM 263520.

gnomAD v4.1: 14 of 1,613,560 alleles (0.00087%); highest among the groups gnomAD compares: Non-Finnish European, 0.0012%; no homozygotes.

Submission:

Labcorp Genetics (formerly Invitae), Labcorp
Classification: Uncertain significance for Short-rib thoracic dysplasia 6 with or without polydactyly. Last evaluated: 2024-03-20. Review status: criteria provided, single submitter. Criteria: Invitae Variant Classification Sherloc (09022015). Collection method: clinical testing. Allele origin: germline.
Comment: This sequence change replaces arginine, which is basic and polar, with glutamine, which is neutral and polar, at codon 472 of the NEK1 protein (p.Arg472Gln). This variant is present in population databases (rs371400202, gnomAD 0.003%). This variant has not been reported in the literature in individuals affected with NEK1-related conditions. Advanced modeling of protein sequence and biophysical properties (such as structural, functional, and spatial information, amino acid conservation, physicochemical variation, residue mobility, and thermodynamic stability) performed at Invitae indicates that this missense variant is not expected to disrupt NEK1 protein function with a negative predictive value of 95%. In summary, the available evidence is currently insufficient to determine the role of this variant in disease. Therefore, it has been classified as a Variant of Uncertain Significance.

NM_001199397.3(NEK1):c.1415G>A (p.Arg472Gln)

Gene: NEK1 (NIMA related kinase 1; minus strand). Cytogenetic location: 4q33.
Variant type: single nucleotide variant.
Coding change: c.1415G>A on transcript NM_001199397.3 (MANE Select); coding-DNA position 1415, G replaced by A.
Protein change: p.Arg472Gln; replaces arginine 472 with glutamine.
Molecular consequence: missense variant. On other transcripts: non-coding transcript variant (1).
Genome position (GRCh38, 1-based): chr4:169,555,947, C>T on the plus strand (G>A on the coding strand, the complement: NEK1 is on the minus strand). VCF-style: chr4-169555947-C-T. GRCh37 (hg19) VCF-style: chr4-170477098-C-T.
Other names: c.1415G>A, p.Arg472Gln (NM_001199398.3, NM_001199400.3, NM_001374418.1 and 2 more transcripts); c.1340G>A, p.Arg447Gln (NM_001199399.3); c.1364G>A, p.Arg455Gln (NM_001374420.1); c.1289G>A, p.Arg430Gln (NM_001374421.1); short protein forms R447Q, R430Q, R455Q, R472Q.
Identifiers: ClinVar variation 3649819 (VCV003649819.2).